The following is an entry in ClinVar:

NM_000053.4(ATP7B):c.1919A>C (p.His640Pro)

Gene: ATP7B (ATPase copper transporting beta; minus strand). Cytogenetic location: 13q14.3.
Variant type: single nucleotide variant.
Coding change: c.1919A>C on transcript NM_000053.4 (MANE Select); coding-DNA position 1919, A replaced by C.
Protein change: p.His640Pro; replaces histidine 640 with proline.
Molecular consequence: missense variant. On other transcripts: intron variant (13).
Genome position (GRCh38, 1-based): chr13:51,961,864, T>G on the plus strand (A>C on the coding strand, the complement: ATP7B is on the minus strand). VCF-style: chr13-51961864-T-G. GRCh37 (hg19) VCF-style: chr13-52536000-T-G.
Other names: c.1586A>C, p.His529Pro (NM_001243182.2); c.1919A>C, p.His640Pro (NM_001330578.2, NM_001406511.1, NM_001406512.1 and 16 more transcripts); c.1886A>C, p.His629Pro (NM_001406514.1, NM_001406524.1); c.1823A>C, p.His608Pro (NM_001406517.1, NM_001406518.1, NM_001406530.1 and 1 more transcripts); c.1490A>C, p.His497Pro (NM_001406539.1); c.1869+3008A>C (NM_001406541.1, NM_001406531.1, NM_001406532.1 and 5 more transcripts); c.1773+3008A>C (NM_001406543.1, NM_001406544.1); c.1286-11703A>C (NM_001406548.1); and 2 more; short protein forms H497P, H529P, H608P, H629P, H640P.
Identifiers: ClinVar variation 3070643 (VCV003070643.4), dbSNP rs369147145, ClinGen allele CA6989173.

ClinVar aggregate classification (germline): Uncertain significance. Review status: criteria provided, multiple submitters, no conflicts (2 of 4 stars). 3 submissions from 3 submitters: Uncertain significance (3). Last evaluated 2026-09-01.

Conditions:
Wilson disease (WND). Also called: Wilson's disease. Identifiers: Orphanet 905, MedGen C0019202, MONDO:0010200, OMIM 277900. Disease mechanism: loss of function.

Allele frequency attached by ClinVar (database versions not stated): ExAC 0.00001; gnomAD 0.00001; gnomAD exomes 0.00001; TOPMed 0.00002; ESP Exome Variant Server 0.00008.
gnomAD v4.1: 15 of 1,613,808 alleles (0.00093%); highest among the groups gnomAD compares: Non-Finnish European, 0.0013%; no homozygotes.

Submissions (3):

CeGaT Center for Human Genetics Tuebingen
Classification: Uncertain significance. Last evaluated: 2026-09-01. Review status: criteria provided, single submitter. Criteria: CeGaT Center For Human Genetics Tuebingen Variant Classification Criteria Version 2. Collection method: clinical testing. Allele origin: germline. Affected: yes. Observed: 1 variant allele.
Comment: ATP7B: PM2

GeneDx
Classification: Uncertain significance. Last evaluated: 2025-01-31. Review status: criteria provided, single submitter. Criteria: GeneDx Variant Classification Process June 2021. Collection method: clinical testing. Allele origin: germline. Affected: yes.
Comment: Not observed at significant frequency in large population cohorts (gnomAD); In silico analysis supports that this missense variant has a deleterious effect on protein structure/function; Has not been previously published as pathogenic or benign to our knowledge

All of Us Research Program, National Institutes of Health
Classification: Uncertain significance for Wilson disease. Last evaluated: 2024-05-09. Review status: criteria provided, single submitter. Criteria: ACMG Guidelines, 2015. Collection method: clinical testing. Allele origin: germline. Inheritance: Autosomal recessive inheritance. Observed: 2 variant alleles, 2 heterozygotes.
Comment: This missense variant replaces histidine with proline at codon 640 of the ATP7B protein. Computational prediction suggests that this variant may have deleterious impact on protein structure and function (internally defined REVEL score threshold >= 0.7, PMID: 27666373). To our knowledge, functional studies have not been reported for this variant. This variant has not been reported in individuals affected with ATP7B-related disorders in the literature. This variant has been identified in 3/249578 chromosomes in the general population by the Genome Aggregation Database (gnomAD). The available evidence is insufficient to determine the role of this variant in disease conclusively. Therefore, this variant is classified as a Variant of Uncertain Significance.

This study involves interpretation of variants in research participants for the purpose of population health screening. Participant phenotype was not available at the time of variant classification. Additional details can be found in publication PMID: 35346344, PMCID: PMC8962531